The following is an entry in ClinVar:

ClinVar aggregate classification (germline): Pathogenic (1 of 4 stars; one submission).

Conditions:
CHARGE syndrome (CHARGE). Also called: Hittner Hirsch Kreh syndrome; CHARGE ASSOCIATION--COLOBOMA, HEART ANOMALY, CHOANAL ATRESIA, RETARDATION, GENITAL AND EAR ANOMALIES; Coloboma, heart anomaly, choanal atresia, retardation, genital and ear anomalies; CHARGE association; Hall-Hittner syndrome. Identifiers: Orphanet 138, MedGen C0265354, MONDO:0008965.

Submission:

Labcorp Genetics (formerly Invitae), Labcorp
Classification: Pathogenic for CHARGE syndrome. Last evaluated: 2025-03-12. Review status: criteria provided, single submitter. Criteria: Invitae Variant Classification Sherloc (09022015). Collection method: clinical testing. Allele origin: germline.
Comment: This sequence change creates a premature translational stop signal (p.Ser2857*) in the CHD7 gene. While this is not anticipated to result in nonsense mediated decay, it is expected to disrupt the last 141 amino acid(s) of the CHD7 protein. This variant is not present in population databases (gnomAD no frequency). This premature translational stop signal has been observed in individual(s) with CHD7-related conditions (PMID: 36475376). This variant disrupts a region of the CHD7 protein in which other variant(s) (p.Glu2935*) have been determined to be pathogenic (PMID: 19021638). This suggests that this is a clinically significant region of the protein, and that variants that disrupt it are likely to be disease-causing. For these reasons, this variant has been classified as Pathogenic.

Literature cited by the submitters: PubMed 36475376; PubMed 19021638.

NM_017780.4(CHD7):c.8570_8571del (p.Asp2856_Ser2857insTer)

Gene: CHD7 (chromodomain helicase DNA binding protein 7; plus strand). Cytogenetic location: 8q12.2.
Variant type: Microsatellite.
Coding change: c.8570_8571del on transcript NM_017780.4 (MANE Select); coding-DNA positions 8570 to 8571, 2 bases deleted (CT; older notation c.8570_8571delCT).
Protein change: p.Asp2856_Ser2857insTer.
Molecular consequence: nonsense.
Genome position (GRCh38, 1-based): chr8:60,865,509-60,865,510, CT deleted; deleting any 2 consecutive bases within chr8:60,865,507-60,865,510 gives the same sequence; the c. name uses the placement nearest the transcript's 3' end. VCF-style (leftmost placement, unchanged base first): chr8-60865506-ACT-A. GRCh37 (hg19) VCF-style: chr8-61778065-ACT-A.
Other names: c.2423_2424del, p.Asp807_Ser808insTer (NM_001316690.1).
Identifiers: ClinVar variation 3014034 (VCV003014034.3), dbSNP rs2488149299, ClinGen allele CA2579174039.